The following is an entry in ClinVar:

NM_000535.7(PMS2):c.1334_1344del (p.Ser445fs)

Gene: PMS2 (PMS1 homolog 2, mismatch repair system component; minus strand). Cytogenetic location: 7p22.1.
Variant type: Deletion.
Coding change: c.1334_1344del on transcript NM_000535.7 (MANE Select); coding-DNA positions 1334 to 1344, 11 bases deleted (GCCCTCTAGGA).
Protein change: p.Ser445fs; shifts the reading frame from serine 445.
Molecular consequence: frameshift variant. On other transcripts: non-coding transcript variant (1).
Genome position (GRCh38, 1-based): chr7:5,987,421-5,987,431, TCCTAGAGGGC deleted on the plus strand (GCCCTCTAGGA on the coding strand, the reverse complement: PMS2 is on the minus strand); deleting any 11 consecutive bases within chr7:5,987,421-5,987,435 gives the same sequence; the c. name uses the placement nearest the transcript's 3' end. VCF-style (leftmost placement, unchanged base first): chr7-5987420-GTCCTAGAGGGC-G. GRCh37 (hg19) VCF-style: chr7-6027051-GTCCTAGAGGGC-G.
Other names: c.925_935delAGGAGCCCTCT, p.Ser310Thrfs (NM_001018040.1, NM_001406887.1, NM_001406888.1 and 13 more transcripts); c.929_939del, p.Ser310fs (NM_001322003.2, NM_001322004.2, NM_001322005.2 and 1 more transcripts); c.1178_1188del, p.Ser393fs (NM_001322006.2); c.1016_1026del, p.Ser339fs (NM_001322007.2, NM_001322008.2); c.773_783del, p.Ser258fs (NM_001322010.2); c.401_411del, p.Ser134fs (NM_001322011.2, NM_001322012.2); c.761_771del, p.Ser254fs (NM_001322013.2); c.1334_1344del, p.Ser445fs (NM_001322014.2); and 20 more; short protein forms S258fs, S339fs, S393fs, S134fs, S254fs, S310fs, S342fs, S445fs.
Identifiers: ClinVar variation 1770207 (VCV001770207.2), dbSNP rs2535808559, ClinGen allele CA2580076969.
Genomic context (GRCh38, chr7:5,987,420, plus strand): 5'-TCAGGACGCCTTTGTCAGAGATGGCACCTGAAGTGCTAGAAGACAGCATACCCCTTTTCT[GTCCTAGAGGGC>G]TCCTTCTTGGTTCTGGAGTCTTTGGGCTGTGAGGCTTGTTCTCTGTTGTGTGACGAAGAG-3'

ClinVar aggregate classification (germline): Pathogenic (1 of 4 stars; one submission).

Conditions:
Hereditary cancer-predisposing syndrome. Also called: Hereditary Cancer Syndrome; Hereditary neoplastic syndrome; Neoplastic Syndromes, Hereditary; Tumor predisposition. Identifiers: Orphanet 140162, MedGen C0027672, MeSH D009386, MONDO:0015356.

Submission:

Ambry Genetics
Classification: Pathogenic for Hereditary cancer-predisposing syndrome. Last evaluated: 2022-04-21. Review status: criteria provided, single submitter. Criteria: Ambry Variant Classification Scheme 2023. Collection method: clinical testing. Allele origin: germline.
Comment: The c.1334_1344del11 pathogenic mutation, located in coding exon 11 of the PMS2 gene, results from a deletion of 11 nucleotides at nucleotide positions 1334 to 1344, causing a translational frameshift with a predicted alternate stop codon (p.S445Tfs*9). This alteration is expected to result in loss of function by premature protein truncation or nonsense-mediated mRNA decay. As such, this alteration is interpreted as a disease-causing mutation.